The following is an entry in ClinVar:

ClinVar aggregate classification (germline): Uncertain significance (1 of 4 stars; one submission).

Conditions:
MRAP2-related disorder. Also called: MRAP2-related condition.

Submission:

PreventionGenetics, part of Exact Sciences
Classification: Uncertain significance for MRAP2-related condition. Last evaluated: 2026-02-18. Review status: criteria provided, single submitter. Criteria: ACMG Guidelines, 2015. Collection method: clinical testing. Allele origin: germline.
Comment: The MRAP2 c.309delA variant is predicted to result in a frameshift and premature protein termination (p.Ser105Leufs*54). To our knowledge, this variant has not been reported in the literature or in a large population database (gnomAD), indicating this variant is rare. While nonsense and frameshift variants have been documented in MRAP2, to our knowledge, all reported variants have been up-stream of amino acid 105 (Asai et al. 2013. PubMed ID: 23869016; Schonnop et al. 2016. PubMed ID: 27474872). Although we suspect that this variant may be pathogenic, at this time, the clinical significance of this variant is uncertain due to the absence of conclusive functional and genetic evidence.

NM_138409.4(MRAP2):c.309del (p.Ser105fs)

Gene: MRAP2 (melanocortin 2 receptor accessory protein 2; plus strand). Cytogenetic location: 6q14.2.
Variant type: Deletion.
Coding change: c.309del on transcript NM_138409.4 (MANE Select); coding-DNA position 309, one base deleted (A; older notation c.309delA).
Protein change: p.Ser105fs; shifts the reading frame from serine 105.
Molecular consequence: frameshift variant.
Genome position (GRCh38, 1-based): chr6:84,089,172, A deleted. VCF-style (leftmost placement, unchanged base first): chr6-84089171-TA-T. GRCh37 (hg19) VCF-style: chr6-84798890-TA-T.
Other names: c.51del, p.Ser19fs (NM_001346541.2); c.309del, p.Ser105fs (NM_001346542.2, NM_001346544.2); c.144del, p.Ser50fs (NM_001346543.2); short protein forms S19fs, S105fs, S50fs.
Identifiers: ClinVar variation 4988592 (VCV004988592.1).
Genomic context (GRCh38, chr6:84,089,171, plus strand): 5'-AGAGATTCAGAATGAACAGCTTTGTGTCAGACTTTGGAAGACCTCTGGAGCCAGATAAAG[TA>T]TTTTCTCGCCAAGGCAACGAGGAGTCCAGGTCTCTCTTTCACTGCTACATCAATGAGGTG-3'